The following is an entry in ClinVar:

ClinVar aggregate classification (germline): Uncertain significance (1 of 4 stars; one submission).

Conditions:
Neuropathy, hereditary sensory and autonomic, type 1C. Also called: HSAN IC; HSN IC. Identifiers: Orphanet 36386, MedGen C3150896, MONDO:0013337, OMIM 613640.

Submission:

Labcorp Genetics (formerly Invitae), Labcorp
Classification: Uncertain significance for Neuropathy, hereditary sensory and autonomic, type 1C. Last evaluated: 2026-01-19. Review status: criteria provided, single submitter. Criteria: Invitae Variant Classification Sherloc (09022015). Collection method: clinical testing. Allele origin: germline.
Comment: This sequence change replaces alanine, which is neutral and non-polar, with glycine, which is neutral and non-polar, at codon 443 of the SPTLC2 protein (p.Ala443Gly). This variant is not present in population databases (gnomAD no frequency). This variant has not been reported in the literature in individuals affected with SPTLC2-related conditions. Invitae Evidence Modeling of protein sequence and biophysical properties (such as structural, functional, and spatial information, amino acid conservation, physicochemical variation, residue mobility, and thermodynamic stability) has been performed for this missense variant. However, the output from this modeling did not meet the statistical confidence thresholds required to predict the impact of this variant on SPTLC2 protein function. In summary, the available evidence is currently insufficient to determine the role of this variant in disease. Therefore, it has been classified as a Variant of Uncertain Significance.

NM_004863.4(SPTLC2):c.1328C>G (p.Ala443Gly)

Gene: SPTLC2 (serine palmitoyltransferase long chain base subunit 2; minus strand). Cytogenetic location: 14q24.3.
Variant type: single nucleotide variant.
Coding change: c.1328C>G on transcript NM_004863.4 (MANE Select); coding-DNA position 1328, C replaced by G.
Protein change: p.Ala443Gly; replaces alanine 443 with glycine.
Molecular consequence: missense variant.
Genome position (GRCh38, 1-based): chr14:77,521,557, G>C on the plus strand (C>G on the coding strand, the complement: SPTLC2 is on the minus strand). VCF-style: chr14-77521557-G-C. GRCh37 (hg19) VCF-style: chr14-77987900-G-C.
Other names: short protein forms A443G.
Identifiers: ClinVar variation 4762177 (VCV004762177.1).
Genomic context (GRCh38, chr14:77,521,557, plus strand): 5'-TTTCCATAGATGATGAAGCCCATCTCTTTCAGGCGTCTCCTGAAATACCTGGTGTTTTCA[G>C]CTAACTGTTGTACACACTCTTTACCTGGAAAGTCACGGTGAGAGAAAACAAAATAATCCT-3'
Protein context (NP_004854.1, residues 433-453): SLGKECVQQL[Ala443Gly]ENTRYFRRRL